The following is an entry in ClinVar:

ClinVar aggregate classification (germline): Conflicting classifications of pathogenicity. Review status: criteria provided, conflicting classifications (1 of 4 stars). 3 submissions from 3 submitters: Likely pathogenic (1); Uncertain significance (2). Last evaluated 2025-10-16.

Conditions:
Congenital myotonia, autosomal recessive form. Also called: BECKER DISEASE; Becker Generalized Myotonia; myotonia congenita, autosomal recessive. Identifiers: Orphanet 614, MedGen C0751360, MONDO:0009715, OMIM 255700.
Congenital myotonia, autosomal dominant form (THD). Also called: THOMSEN DISEASE; Myotonia congenita autosomal dominant. Identifiers: Orphanet 614, MedGen C2936781, MONDO:0008055, OMIM 160800.

gnomAD v4.1: 2 of 1,614,106 alleles (0.00012%); highest among the groups gnomAD compares: Non-Finnish European, 0.00017%; no homozygotes.

Submissions (3):

Labcorp Genetics (formerly Invitae), Labcorp
Classification: Uncertain significance for Congenital myotonia, autosomal recessive form; Congenital myotonia, autosomal dominant form. Last evaluated: 2025-10-16. Review status: criteria provided, single submitter. Criteria: Invitae Variant Classification Sherloc (09022015). Collection method: clinical testing. Allele origin: germline.
Comment: This sequence change replaces valine, which is neutral and non-polar, with glycine, which is neutral and non-polar, at codon 165 of the CLCN1 protein (p.Val165Gly). This variant is not present in population databases (gnomAD no frequency). This missense change has been observed in individual(s) with generalized myotonia (PMID: 8533761). ClinVar contains an entry for this variant (Variation ID: 1324085). Invitae Evidence Modeling of protein sequence and biophysical properties (such as structural, functional, and spatial information, amino acid conservation, physicochemical variation, residue mobility, and thermodynamic stability) indicates that this missense variant is expected to disrupt CLCN1 protein function with a positive predictive value of 95%. Experimental studies have shown that this missense change affects CLCN1 function (PMID: 10690989). In summary, the available evidence is currently insufficient to determine the role of this variant in disease. Therefore, it has been classified as a Variant of Uncertain Significance.

Women's Health and Genetics/Laboratory Corporation of America, LabCorp
Classification: Uncertain significance. Last evaluated: 2024-10-25. Review status: criteria provided, single submitter. Criteria: LabCorp Variant Classification Summary - May 2015. Collection method: clinical testing. Allele origin: germline.
Comment: Variant summary: CLCN1 c.494T>G (p.Val165Gly) results in a non-conservative amino acid change in the encoded protein sequence. Five of five in-silico tools predict a damaging effect of the variant on protein function. The variant was absent in 251474 control chromosomes (gnomAD). The available data on variant occurrences in the general population are insufficient to allow any conclusion about variant significance. c.494T>G has been reported in the literature in individuals affected with Myotonia congenita (Meyer-Kleine_1995). These data do not allow any conclusion about variant significance. At least one publication reports experimental evidence evaluating an impact on protein function (Zhang_2000), however, it does not allow convincing conclusions about the variant effect. The following publications have been ascertained in the context of this evaluation (PMID: 8533761, 10690989). ClinVar contains an entry for this variant (Variation ID: 1324085). Based on the evidence outlined above, the variant was classified as uncertain significance.

Revvity Omics, Revvity
Classification: Likely pathogenic. Last evaluated: 2021-11-01. Review status: criteria provided, single submitter. Criteria: ACMG Guidelines, 2015. Collection method: clinical testing. Allele origin: germline.

Literature cited by the submitters: PubMed 8533761 (cited by Labcorp Genetics (formerly Invitae), Labcorp and Women's Health and Genetics/Laboratory Corporation of America, LabCorp); PubMed 10690989 (cited by Labcorp Genetics (formerly Invitae), Labcorp and Women's Health and Genetics/Laboratory Corporation of America, LabCorp).

NM_000083.3(CLCN1):c.494T>G (p.Val165Gly)

Gene: CLCN1 (chloride voltage-gated channel 1; plus strand). Cytogenetic location: 7q34.
Variant type: single nucleotide variant.
Coding change: c.494T>G on transcript NM_000083.3 (MANE Select); coding-DNA position 494, T replaced by G.
Protein change: p.Val165Gly; replaces valine 165 with glycine.
Molecular consequence: missense variant. On other transcripts: non-coding transcript variant (1).
Genome position (GRCh38, 1-based): chr7:143,321,425, T>G. VCF-style: chr7-143321425-T-G. GRCh37 (hg19) VCF-style: chr7-143018518-T-G.
Other names: short protein forms V165G.
Identifiers: ClinVar variation 1324085 (VCV001324085.6), dbSNP rs1586485438, ClinGen allele CA369683661.